The following is an entry in ClinVar:

ClinVar aggregate classification (germline): Conflicting classifications of pathogenicity. Review status: criteria provided, conflicting classifications (1 of 4 stars). 6 submissions from 6 submitters: Likely pathogenic (4); Uncertain significance (2). Last evaluated 2026-06-19.

Conditions:
Cardiovascular phenotype. Identifiers: MedGen CN230736.
Autosomal recessive limb-girdle muscular dystrophy type 2J (LGMDR10). Also called: Limb-girdle muscular dystrophy, type 2J; MUSCULAR DYSTROPHY, LIMB-GIRDLE, AUTOSOMAL RECESSIVE 10. Identifiers: Orphanet 140922, MedGen C1837342, MONDO:0012127, OMIM 608807.
Dilated cardiomyopathy 1G (CMD1G). Identifiers: Orphanet 154, MedGen C1858763, MONDO:0011400, OMIM 604145.
Primary dilated cardiomyopathy (DCM). Also called: Dilated Cardiomyopathy. Identifiers: Orphanet 217604, MedGen C0007193, MeSH D002311, MONDO:0005021, HP:0001644. Inheritance: Various modes of inheritance.
Tibial muscular dystrophy (TMD). Also called: Udd Distal Myopathy – Tibial Muscular Dystrophy; Tibial muscular dystrophy, tardive; UDD MYOPATHY. Identifiers: Orphanet 609, MedGen C1838244, MONDO:0010870, OMIM 600334.
Myopathy, myofibrillar, 9, with early respiratory failure (MFM9). Also called: Hereditary myopathy with early respiratory failure; EDSTROM MYOPATHY; MYOPATHY, PROXIMAL, WITH EARLY RESPIRATORY MUSCLE INVOLVEMENT; Myopathy, distal, with early respiratory failure, autosomal dominant. Identifiers: Orphanet 178464, Orphanet 34521, MedGen C1863599, MONDO:0011362, OMIM 603689.
Hypertrophic cardiomyopathy 9. Also called: Familial hypertrophic cardiomyopathy 9. Identifiers: MedGen C1861065, MONDO:0013412, OMIM 613765.
Early-onset myopathy with fatal cardiomyopathy (CMYO5). Also called: Salih Myopathy; CONGENITAL MYOPATHY 5 WITH CARDIOMYOPATHY. Identifiers: Orphanet 289377, MedGen C2673677, MONDO:0012714, OMIM 611705. Disease mechanism: loss of function.

Submissions (6):

Institute of Medical Genetics and Applied Genomics, University Hospital Tübingen
Classification: Likely pathogenic for Dilated cardiomyopathy 1G. Last evaluated: 2026-06-19. Review status: criteria provided, single submitter. Criteria: ACMG Guidelines, 2015. Collection method: clinical testing. Allele origin: germline. Inheritance: Autosomal dominant inheritance. Affected: yes.

Labcorp Genetics (formerly Invitae), Labcorp
Classification: Likely pathogenic for Dilated cardiomyopathy 1G; Autosomal recessive limb-girdle muscular dystrophy type 2J. Last evaluated: 2025-05-22. Review status: criteria provided, single submitter. Criteria: Invitae Variant Classification Sherloc (09022015). Collection method: clinical testing. Allele origin: germline.
Comment: This sequence change creates a premature translational stop signal (p.Lys3815Argfs*17) in the TTN gene. While this is not anticipated to result in nonsense mediated decay, it is expected to create a truncated TTN protein. This variant is not present in population databases (gnomAD no frequency). This premature translational stop signal has been observed in individual(s) with dilated cardiomyopathy (PMID: 30847666). ClinVar contains an entry for this variant (Variation ID: 656793). This variant is located in the I band of TTN (PMID: 25589632). Truncating variants in this region have been reported in individuals affected with autosomal recessive centronuclear myopathy (PMID: 23975875, internal data). Truncating variants in this region have also been identified in individuals affected with autosomal dominant dilated cardiomyopathy and/or cardio-related conditions (PMID: 27869827, 32964742, internal data). In summary, the currently available evidence indicates that the variant is pathogenic, but additional data are needed to prove that conclusively. Therefore, this variant has been classified as Likely Pathogenic.

Ambry Genetics
Classification: Likely pathogenic for Cardiovascular phenotype. Last evaluated: 2025-04-14. Review status: criteria provided, single submitter. Criteria: Ambry Variant Classification Scheme 2023. Collection method: clinical testing. Allele origin: germline.
Comment: The c.10355delA variant, located in coding exon 44 of the TTN gene, results from a deletion of one nucleotide at nucleotide position 10355, causing a translational frameshift with a predicted alternate stop codon (p.K3452Rfs*17). This variant (referred to as (NM_001267550.2:c.11444del, p.Lys3815Argfs*17) co-occurred with another variant in a cardiomyopathy-related gene in an individual with dilated cardiomyopathy (van Lint FHM et al. Neth Heart J, 2019 Jun;27:304-309). This exon is located in the I-band region of the N2-B isoform of the titin protein and is constitutively expressed in TTN transcripts (percent spliced in or PSI 100%). This variant is considered to be rare based on population cohorts in the Genome Aggregation Database (gnomAD). This variant is expected to result in loss of function by premature protein truncation or nonsense-mediated mRNA decay. While truncating variants in TTN are present in 1-3% of the general population, truncating variants in the A-band are the most common cause of dilated cardiomyopathy (Herman DS et al. N. Engl. J. Med., 2012 Feb;366:619-28; Roberts AM et al. Sci Transl Med, 2015 Jan;7:270ra6). TTN truncating variants encoded in constitutive exons (PSI >90%) have been found to be significantly associated with DCM regardless of their position in titin (Schafer S et al. Nat. Genet., 2017 01;49:46-53; Akhtar MM et al. Circ Heart Fail, 2020 Oct;13:e006832; Massier M et al. Clin Genet, 2025 Jan). Based on the majority of available evidence to date, this variant is likely to be pathogenic.

Center for Human Genetics, University of Leuven
Classification: Likely pathogenic for Primary dilated cardiomyopathy. Last evaluated: 2022-12-31. Review status: criteria provided, single submitter. Criteria: ACMG Guidelines, 2015. Collection method: clinical testing. Allele origin: germline. Affected: yes.

AiLife Diagnostics
Classification: Uncertain significance. Last evaluated: 2022-02-01. Review status: criteria provided, single submitter. Criteria: ACMG Guidelines, 2015. Collection method: clinical testing. Allele origin: germline. Affected: yes. Observed: 1 variant allele.

Fulgent Genetics
Classification: Uncertain significance for Tibial muscular dystrophy; Myopathy, myofibrillar, 9, with early respiratory failure; Dilated cardiomyopathy 1G; Autosomal recessive limb-girdle muscular dystrophy type 2J; Early-onset myopathy with fatal cardiomyopathy; Hypertrophic cardiomyopathy 9. Last evaluated: 2021-09-21. Review status: criteria provided, single submitter. Criteria: ACMG Guidelines, 2015. Collection method: clinical testing. Allele origin: unknown.

Literature cited by the submitters: PubMed 30847666 (cited by 3 submitters); PubMed 25589632 (cited by Labcorp Genetics (formerly Invitae), Labcorp); PubMed 23975875 (cited by Labcorp Genetics (formerly Invitae), Labcorp); PubMed 27869827 (cited by Labcorp Genetics (formerly Invitae), Labcorp); PubMed 32964742 (cited by Labcorp Genetics (formerly Invitae), Labcorp).

NM_001267550.2(TTN):c.11444del (p.Lys3815fs)

Genes: TTN (titin; minus strand), TTN-AS1 (TTN antisense RNA 1; plus strand). Cytogenetic location: 2q31.2.
Variant type: Deletion.
Coding change: c.11444del on transcript NM_001267550.2 (MANE Select); coding-DNA position 11444, one base deleted (A; older notation c.11444delA).
Protein change: p.Lys3815fs; shifts the reading frame from lysine 3815.
Molecular consequence: frameshift variant. On other transcripts: intron variant (1).
Genome position (GRCh38, 1-based): chr2:178,741,789, T deleted on the plus strand (A on the coding strand, the reverse complement: TTN is on the minus strand); the first of 4 consecutive T bases (chr2:178,741,789-178,741,792); deleting any one gives the same sequence. VCF-style (leftmost placement, unchanged base first): chr2-178741788-CT-C. GRCh37 (hg19) VCF-style: chr2-179606515-CT-C.
Other names: c.11444delA (NM_001267550.2); c.10493del, p.Lys3498fs (NM_001256850.1); c.10355del, p.Lys3452fs (NM_003319.4); c.10730del, p.Lys3577fs (NM_133432.3); c.10931del, p.Lys3644fs (NM_133437.4); c.10361-3429del (NM_133378.4); c.10355delA (NM_003319.4); short protein forms K3452fs, K3498fs, K3577fs, K3644fs, K3815fs.
Identifiers: ClinVar variation 656793 (VCV000656793.36), dbSNP rs1574099951, ClinGen allele CA915942261.